The following is an entry in ClinVar:

NM_001322934.2(NFKB2):c.2174G>A (p.Arg725Gln)

Gene: NFKB2 (nuclear factor kappa B subunit 2; plus strand). Cytogenetic location: 10q24.32.
Variant type: single nucleotide variant.
Coding change: c.2174G>A on transcript NM_001322934.2 (MANE Select); coding-DNA position 2174, G replaced by A.
Protein change: p.Arg725Gln; replaces arginine 725 with glutamine.
Molecular consequence: missense variant.
Genome position (GRCh38, 1-based): chr10:102,401,282, G>A. VCF-style: chr10-102401282-G-A. GRCh37 (hg19) VCF-style: chr10-104161039-G-A.
Other names: c.2174G>A, p.Arg725Gln (LRG_1347t1, NM_001077494.3, NM_001261403.3 and 2 more transcripts); c.2048G>A, p.Arg683Gln (NM_001322935.1); c.2174G>A (NM_001077494.1); short protein forms R725Q, R683Q.
Identifiers: ClinVar variation 657427 (VCV000657427.39), dbSNP rs374942288, ClinGen allele CA5665010.

ClinVar aggregate classification (germline): Conflicting classifications of pathogenicity. Review status: criteria provided, conflicting classifications (1 of 4 stars). 4 submissions from 4 submitters: Uncertain significance (2); Benign (1); Likely benign (1). Last evaluated 2025-05-13.

Conditions:
Inborn genetic diseases. Identifiers: MedGen C0950123, MeSH D030342.
Immunodeficiency, common variable, 10. Also called: IMMUNODEFICIENCY, COMMON VARIABLE, WITH CENTRAL ADRENAL INSUFFICIENCY; DEFICIT IN ANTERIOR PITUITARY FUNCTION AND VARIABLE IMMUNODEFICIENCY. Identifiers: MedGen C3809991, MONDO:0014260, OMIM 615577.

Allele frequency attached by ClinVar (database versions not stated): gnomAD exomes 0.00007 and 0.00010; TOPMed 0.00008; ExAC 0.00009; gnomAD 0.00016 and 0.00018; ESP Exome Variant Server 0.00024.
gnomAD v4.1: 166 of 1,611,506 alleles (0.01%); highest among the groups gnomAD compares: Non-Finnish European, 0.012%; no homozygotes.

Submissions (4):

Ambry Genetics
Classification: Uncertain significance for Inborn genetic diseases. Last evaluated: 2025-05-13. Review status: criteria provided, single submitter. Criteria: Ambry Variant Classification Scheme 2023. Collection method: clinical testing. Allele origin: germline.

Laboratory of Genetics, Children's Clinical University Hospital Latvia
Classification: Benign. Last evaluated: 2025-02-16. Review status: criteria provided, single submitter. Criteria: ACMG Guidelines, 2015. Collection method: clinical testing. Allele origin: germline. Affected: yes.

Labcorp Genetics (formerly Invitae), Labcorp
Classification: Uncertain significance for Immunodeficiency, common variable, 10. Last evaluated: 2024-10-23. Review status: criteria provided, single submitter. Criteria: Invitae Variant Classification Sherloc (09022015). Collection method: clinical testing. Allele origin: germline.
Comment: This sequence change replaces arginine, which is basic and polar, with glutamine, which is neutral and polar, at codon 725 of the NFKB2 protein (p.Arg725Gln). This variant is present in population databases (rs374942288, gnomAD 0.03%). This variant has not been reported in the literature in individuals affected with NFKB2-related conditions. ClinVar contains an entry for this variant (Variation ID: 657427). An algorithm developed to predict the effect of missense changes on protein structure and function outputs the following: PolyPhen-2: "Benign". The glutamine amino acid residue is found in multiple mammalian species, which suggests that this missense change does not adversely affect protein function. In summary, the available evidence is currently insufficient to determine the role of this variant in disease. Therefore, it has been classified as a Variant of Uncertain Significance.

CeGaT Center for Human Genetics Tuebingen
Classification: Likely benign. Last evaluated: 2024-06-01. Review status: criteria provided, single submitter. Criteria: CeGaT Center For Human Genetics Tuebingen Variant Classification Criteria Version 2. Collection method: clinical testing. Allele origin: germline. Affected: yes. Observed: 3 variant alleles.
Comment: NFKB2: BP4